The following is an entry in ClinVar:

NM_000197.2(HSD17B3):c.-29A>G

Genes: SLC35D2-HSD17B3 (SLC35D2-HSD17B3 readthrough; minus strand), HSD17B3 (hydroxysteroid 17-beta dehydrogenase 3; minus strand). Cytogenetic location: 9q22.32.
Variant type: single nucleotide variant.
Coding change: c.-29A>G on transcript NM_000197.2 (MANE Select); 29 bases upstream of the start codon, A replaced by G.
Molecular consequence: 5 prime UTR variant.
Genome position (GRCh38, 1-based): chr9:96,302,133, T>C on the plus strand (A>G on the coding strand, the complement: HSD17B3 is on the minus strand). VCF-style: chr9-96302133-T-C. GRCh37 (hg19) VCF-style: chr9-99064415-T-C.
Identifiers: ClinVar variation 367688 (VCV000367688.7), dbSNP rs2066476, ClinGen allele CA5140571.
Genomic context (GRCh38, chr9:96,302,133, plus strand): 5'-AGGATGAAGAACTGTTCCAGGACGTCCCCCATGGCTGCACTCAACAGACTGTTTCAGCCC[T>C]GGCCGTGGCTCTCTGTGTATGCCTCCTGGGACCACGCTGCTCTGGAGACCTCCAGATCTT-3'

ClinVar aggregate classification (germline): Benign. Review status: criteria provided, multiple submitters, no conflicts (2 of 4 stars). 3 submissions from 3 submitters: Benign (3). Last evaluated 2018-11-12.

Conditions:
Testosterone 17-beta-dehydrogenase deficiency. Also called: 17-beta hydroxysteroid dehydrogenase 3 deficiency; 17 alpha ketosteroid reductase deficiency of testis; 17 alpha KSR deficiency; Neutral 17 beta hydroxysteroid oxidoreductase deficiency; Male pseudoherma-phroditism with gynecomastia; 46,XY disorder of sex development due to 17-beta-hydroxysteroid dehydrogenase 3 deficiency. Identifiers: Orphanet 752, MedGen C0268296, MONDO:0009916, OMIM 264300. Disease mechanism: loss of function.

Allele frequency attached by ClinVar (database versions not stated): ESP Exome Variant Server 0.00561; gnomAD 0.01018 and 0.01335; gnomAD exomes 0.01201 and 0.02228; TOPMed 0.01403; ExAC 0.02343; 1000 Genomes Project 30x 0.04591; 1000 Genomes Project 0.05132.
gnomAD v4.1: 20,254 of 1,611,488 alleles (1.3%); highest among the groups gnomAD compares: East Asian, 20%; 1,131 homozygotes.

Submissions (3):

GeneDx
Classification: Benign. Last evaluated: 2018-11-12. Review status: criteria provided, single submitter. Criteria: GeneDx Variant Classification Process June 2021. Collection method: clinical testing. Allele origin: germline. Affected: yes.

Illumina Laboratory Services, Illumina
Classification: Benign for Testosterone 17-beta-dehydrogenase deficiency. Last evaluated: 2018-01-12. Review status: criteria provided, single submitter. Criteria: ICSL Variant Classification Criteria 13 December 2019. Collection method: clinical testing. Allele origin: germline.
Comment: This variant was observed in the ICSL laboratory as part of a predisposition screen in an ostensibly healthy population. It had not been previously curated by ICSL or reported in the Human Gene Mutation Database (HGMD: prior to June 1st, 2018), and was therefore a candidate for classification through an automated scoring system. Utilizing variant allele frequency, disease prevalence and penetrance estimates, and inheritance mode, an automated score was calculated to assess if this variant is too frequent to cause the disease. Based on the score and internal cut-off values, a variant classified as benign is not then subjected to further curation. The score for this variant resulted in a classification of benign for this disease.

Breakthrough Genomics
Classification: Benign. Review status: criteria provided, single submitter. Criteria: ACMG Guidelines, 2015. Collection method: not provided. Allele origin: germline. Inheritance: Autosomal recessive inheritance. Affected: yes.